The following is an entry in ClinVar:

ClinVar aggregate classification (germline): Uncertain significance (1 of 4 stars; one submission).

gnomAD v4.1: 3 of 1,601,762 alleles (0.00019%); highest among the groups gnomAD compares: African/African-American, 0.004%; no homozygotes.

Submission:

Women's Health and Genetics/Laboratory Corporation of America, LabCorp
Classification: Uncertain significance. Last evaluated: 2026-01-20. Review status: criteria provided, single submitter. Criteria: LabCorp Variant Classification Summary - May 2015. Collection method: clinical testing. Allele origin: germline.
Comment: Variant summary: CHD1 c.1303G>T (p.Ala435Ser) results in a conservative amino acid change in the encoded protein sequence. Algorithms developed to predict the effect of missense changes on protein structure and function all suggest that this variant is likely to be tolerated. The variant allele was found at a frequency of 4.1e-06 in 246096 control chromosomes. The available data on variant occurrences in the general population are insufficient to allow any conclusion about variant significance. To our knowledge, no occurrence of c.1303G>T in individuals affected with CHD1-related conditions and no experimental evidence demonstrating its impact on protein function have been reported. No submitters have cited clinical-significance assessments for this variant to ClinVar. Based on the evidence outlined above, the variant was classified as uncertain significance.

NM_001270.4(CHD1):c.1303G>T (p.Ala435Ser)

Gene: CHD1 (chromodomain helicase DNA binding protein 1; minus strand). Cytogenetic location: 5q15.
Variant type: single nucleotide variant.
Coding change: c.1303G>T on transcript NM_001270.4 (MANE Select); coding-DNA position 1303, G replaced by T.
Protein change: p.Ala435Ser; replaces alanine 435 with serine.
Molecular consequence: missense variant. On other transcripts: non-coding transcript variant (2).
Genome position (GRCh38, 1-based): chr5:98,898,318, C>A on the plus strand (G>T on the coding strand, the complement: CHD1 is on the minus strand). VCF-style: chr5-98898318-C-A. GRCh37 (hg19) VCF-style: chr5-98234022-C-A.
Other names: c.1303G>T, p.Ala435Ser (NM_001364113.3, NM_001376194.2); short protein forms A435S.
Identifiers: ClinVar variation 4689233 (VCV004689233.1).